The following is an entry in ClinVar:

NM_000534.5(PMS1):c.575A>G (p.His192Arg)

Gene: PMS1 (PMS1 homolog 1, mismatch repair system component; plus strand). Cytogenetic location: 2q32.2.
Variant type: single nucleotide variant.
Coding change: c.575A>G on transcript NM_000534.5 (MANE Select); coding-DNA position 575, A replaced by G.
Protein change: p.His192Arg; replaces histidine 192 with arginine.
Molecular consequence: missense variant. On other transcripts: non-coding transcript variant (1).
Genome position (GRCh38, 1-based): chr2:189,818,173, A>G. VCF-style: chr2-189818173-A-G. GRCh37 (hg19) VCF-style: chr2-190682899-A-G.
Other names: c.575A>G, p.His192Arg (NM_001128143.2, NM_001128144.2, NM_001321044.2 and 3 more transcripts); c.47A>G, p.His16Arg (NM_001289408.2, NM_001289409.2); c.392A>G, p.His131Arg (NM_001321046.2); short protein forms H192R, H16R, H131R.
Identifiers: ClinVar variation 135045 (VCV000135045.1), dbSNP rs587778610, ClinGen allele CA161507.

ClinVar aggregate classification (germline): not provided (0 of 4 stars; one submission).

gnomAD v4.1: 1 of 1,578,984 alleles (0.000063%); highest among the groups gnomAD compares: South Asian, 0.0011%; no homozygotes.

Submission:

ITMI
No classification provided. Condition: AllHighlyPenetrant. Last evaluated: 2013-09-19. Review status: no classification provided. Collection method: reference population. Allele origin: germline.
Comment: Please see associated publication for description of ethnicities

Literature cited by the submitters: PubMed 24728327.